The following is an entry in ClinVar:

ClinVar aggregate classification (germline): Likely benign. Review status: criteria provided, multiple submitters, no conflicts (2 of 4 stars). 2 submissions from 2 submitters: Likely benign (2). Last evaluated 2024-07-02.

Conditions:
Dilated cardiomyopathy 1G (CMD1G). Identifiers: Orphanet 154, MedGen C1858763, MONDO:0011400, OMIM 604145.
Autosomal recessive limb-girdle muscular dystrophy type 2J (LGMDR10). Also called: Limb-girdle muscular dystrophy, type 2J; MUSCULAR DYSTROPHY, LIMB-GIRDLE, AUTOSOMAL RECESSIVE 10. Identifiers: Orphanet 140922, MedGen C1837342, MONDO:0012127, OMIM 608807.

Allele frequency attached by ClinVar (database versions not stated): gnomAD exomes below 0.00001.

Submissions (2):

Labcorp Genetics (formerly Invitae), Labcorp
Classification: Likely benign for Dilated cardiomyopathy 1G; Autosomal recessive limb-girdle muscular dystrophy type 2J. Last evaluated: 2024-07-02. Review status: criteria provided, single submitter. Criteria: Invitae Variant Classification Sherloc (09022015). Collection method: clinical testing. Allele origin: germline.

CeGaT Center for Human Genetics Tuebingen
Classification: Likely benign. Last evaluated: 2024-07-01. Review status: criteria provided, single submitter. Criteria: CeGaT Center For Human Genetics Tuebingen Variant Classification Criteria Version 2. Collection method: clinical testing. Allele origin: germline. Affected: yes. Observed: 1 variant allele.
Comment: TTN: BP4, BP7

NM_001267550.2(TTN):c.86424A>G (p.Thr28808=)

Genes: TTN-AS1 (TTN antisense RNA 1; plus strand), TTN (titin; minus strand). Cytogenetic location: 2q31.2.
Variant type: single nucleotide variant.
Coding change: c.86424A>G on transcript NM_001267550.2 (MANE Select); coding-DNA position 86424, A replaced by G.
Protein change: p.Thr28808=; no amino-acid change (threonine 28808 retained).
Molecular consequence: synonymous variant.
Genome position (GRCh38, 1-based): chr2:178,559,708, T>C on the plus strand (A>G on the coding strand, the complement: TTN is on the minus strand). VCF-style: chr2-178559708-T-C. GRCh37 (hg19) VCF-style: chr2-179424435-T-C.
Other names: c.81501A>G, p.Thr27167= (NM_001256850.1); c.59229A>G, p.Thr19743= (NM_003319.4); c.78720A>G, p.Thr26240= (NM_133378.4); c.59604A>G, p.Thr19868= (NM_133432.3); c.59805A>G, p.Thr19935= (NM_133437.4).
Identifiers: ClinVar variation 1956837 (VCV001956837.22), dbSNP rs1012086272, ClinGen allele CA60983882.
Genomic context (GRCh38, chr2:178,559,708, plus strand): 5'-CTGAATTGTTAATGTGTACTTTCCAGAGTCATTTCTGTTGGCATTTTCAATGGTCAGTGA[T>C]GTACGAGAGTCTGTGGTATCAACATAAGCTCTAGTACGGAGGTCAGTGTCTGGCTTACTC-3'
Protein context (NP_001254479.2, residues 28798-28818): RAYVDTTDSR[Thr28808=]SLTIENANRN